The following is an entry in ClinVar:

ClinVar aggregate classification (germline): Uncertain significance (1 of 4 stars; one submission).

Conditions:
Catecholaminergic polymorphic ventricular tachycardia 1. Also called: RYR2-Related Catecholaminergic Polymorphic Ventricular Tachycardia; VENTRICULAR TACHYCARDIA, CATECHOLAMINERGIC POLYMORPHIC, 1, WITH OR WITHOUT ATRIAL DYSFUNCTION AND/OR DILATED CARDIOMYOPATHY; VENTRICULAR TACHYCARDIA, STRESS-INDUCED POLYMORPHIC 1. Identifiers: Orphanet 3286, MedGen C1631597, MONDO:0011484, OMIM 604772.

Allele frequency attached by ClinVar (database versions not stated): gnomAD below 0.00001 and 0.00001; gnomAD exomes below 0.00001 and 0.00002.
gnomAD v4.1: 5 of 1,276,748 alleles (0.00039%); highest among the groups gnomAD compares: South Asian, 0.011%; no homozygotes.

Submission:

Labcorp Genetics (formerly Invitae), Labcorp
Classification: Uncertain significance for Catecholaminergic polymorphic ventricular tachycardia 1. Last evaluated: 2019-05-07. Review status: criteria provided, single submitter. Criteria: Invitae Variant Classification Sherloc (09022015). Collection method: clinical testing. Allele origin: germline.
Comment: In summary, the available evidence is currently insufficient to determine the role of this variant in disease. Therefore, it has been classified as a Variant of Uncertain Significance. Algorithms developed to predict the effect of sequence changes on RNA splicing suggest that this variant may disrupt the consensus splice site, but this prediction has not been confirmed by published transcriptional studies. This variant has not been reported in the literature in individuals with TRDN-related disease. While this variant is not present in population databases, the frequency information is unreliable, as metrics indicate poor data quality at this position in the ExAC database. This sequence change falls in intron 35 of the TRDN gene. It does not directly change the encoded amino acid sequence of the TRDN protein.

NM_006073.4(TRDN):c.1871-9T>A

Gene: TRDN (triadin; minus strand). Cytogenetic location: 6q22.31.
Variant type: single nucleotide variant.
Coding change: c.1871-9T>A on transcript NM_006073.4 (MANE Select); 9 bases into the intron before coding-DNA position 1871, T replaced by A.
Molecular consequence: intron variant.
Genome position (GRCh38, 1-based): chr6:123,255,911, A>T on the plus strand (T>A on the coding strand, the complement: TRDN is on the minus strand). VCF-style: chr6-123255911-A-T. GRCh37 (hg19) VCF-style: chr6-123577056-A-T.
Identifiers: ClinVar variation 570043 (VCV000570043.12), dbSNP rs1489256531, ClinGen allele CA570329152.